The following is an entry in ClinVar:

NM_000038.6(APC):c.1810G>T (p.Ala604Ser)

Gene: APC (APC regulator of Wnt signaling pathway; plus strand). Cytogenetic location: 5q22.2.
Variant type: single nucleotide variant.
Coding change: c.1810G>T on transcript NM_000038.6 (MANE Select); coding-DNA position 1810, G replaced by T.
Protein change: p.Ala604Ser; replaces alanine 604 with serine.
Molecular consequence: missense variant. On other transcripts: non-coding transcript variant (2).
Genome position (GRCh38, 1-based): chr5:112,835,017, G>T. VCF-style: chr5-112835017-G-T. GRCh37 (hg19) VCF-style: chr5-112170714-G-T.
Other names: c.1810G>T, p.Ala604Ser (NM_001127510.3, NM_001354895.2, NM_001407450.1); c.1756G>T, p.Ala586Ser (NM_001127511.3); c.1864G>T, p.Ala622Ser (NM_001354896.2, NM_001407447.1, NM_001407448.1 and 1 more transcripts); c.1840G>T, p.Ala614Ser (NM_001354897.2); c.1735G>T, p.Ala579Ser (NM_001354898.2); c.1726G>T, p.Ala576Ser (NM_001354899.2); c.1687G>T, p.Ala563Ser (NM_001354900.2); c.1633G>T, p.Ala545Ser (NM_001354901.2, NM_001407453.1); and 11 more; short protein forms A220S, A321S, A444S, A475S, A478S, A503S, A513S, A521S.
Identifiers: ClinVar variation 3371605 (VCV003371605.2).
Genomic context (GRCh38, chr5:112,835,017, plus strand): 5'-ACCCTCAAAAGCGTATTGAGTGCCTTATGGAATTTGTCAGCACATTGCACTGAGAATAAA[G>T]CTGATATATGTGCTGTAGATGGTGCACTTGCATTTTTGGTTGGCACTCTTACTTACCGGA-3'
Protein context (NP_000029.2, residues 594-614): NLSAHCTENK[Ala604Ser]DICAVDGALA

ClinVar aggregate classification (germline): Uncertain significance. Review status: criteria provided, multiple submitters, no conflicts (2 of 4 stars). 2 submissions from 2 submitters: Uncertain significance (2). Last evaluated 2025-07-30.

Conditions:
Hereditary cancer-predisposing syndrome. Also called: Tumor predisposition; Neoplastic Syndromes, Hereditary; Hereditary neoplastic syndrome; Hereditary Cancer Syndrome. Identifiers: Orphanet 140162, MedGen C0027672, MeSH D009386, MONDO:0015356.

Submissions (2):

Ambry Genetics
Classification: Uncertain significance for Hereditary cancer-predisposing syndrome. Last evaluated: 2025-07-30. Review status: criteria provided, single submitter. Criteria: Ambry Variant Classification Scheme 2023. Collection method: clinical testing. Allele origin: germline.
Comment: The p.A604S variant (also known as c.1810G>T), located in coding exon 14 of the APC gene, results from a G to T substitution at nucleotide position 1810. The alanine at codon 604 is replaced by serine, an amino acid with similar properties. This amino acid position is conserved. In addition, in silico predictors for this gene do not accurately predict pathogenicity. Based on the available evidence, the clinical significance of this variant remains unclear.

GeneDx
Classification: Uncertain significance. Last evaluated: 2024-03-29. Review status: criteria provided, single submitter. Criteria: GeneDx Variant Classification Process June 2021. Collection method: clinical testing. Allele origin: germline. Affected: yes.
Comment: Not observed at significant frequency in large population cohorts (gnomAD); In silico analysis supports that this missense variant has a deleterious effect on protein structure/function; Has not been previously published as pathogenic or benign to our knowledge